The following is an entry in ClinVar:

ClinVar aggregate classification (germline): Benign. Review status: criteria provided, multiple submitters, no conflicts (2 of 4 stars). 3 submissions from 3 submitters: Benign (3). Last evaluated 2021-07-10.

Conditions:
Congenital lactic acidosis, Saguenay-Lac-Saint-Jean type (MC4DN5). Also called: CYTOCHROME c OXIDASE DEFICIENCY, FRENCH CANADIAN TYPE; COX DEFICIENCY, FRENCH CANADIAN TYPE; MITOCHONDRIAL COMPLEX IV DEFICIENCY, NUCLEAR TYPE 5. Identifiers: Orphanet 70472, MedGen C1857355, MONDO:0009069, OMIM 220111.

Allele frequency attached by ClinVar (database versions not stated): ESP Exome Variant Server 0.04525; gnomAD 0.04572 and 0.04769; TOPMed 0.04617; 1000 Genomes Project 30x 0.05012; 1000 Genomes Project 0.05032.
gnomAD v4.1: 66,118 of 1,137,142 alleles (5.8%); highest among the groups gnomAD compares: South Asian, 9.6%; 2,343 homozygotes.

Submissions (3):

Genome-Nilou Lab
Classification: Benign for Congenital lactic acidosis, Saguenay-Lac-Saint-Jean type. Last evaluated: 2021-07-10. Review status: criteria provided, single submitter. Criteria: ACMG Guidelines, 2015. Collection method: clinical testing. Allele origin: germline. Affected: no.

GeneDx
Classification: Benign. Last evaluated: 2018-06-16. Review status: criteria provided, single submitter. Criteria: GeneDx Variant Classification (06012015). Collection method: clinical testing. Allele origin: germline. Affected: yes.
Comment: This variant is considered likely benign or benign based on one or more of the following criteria: it is a conservative change, it occurs at a poorly conserved position in the protein, it is predicted to be benign by multiple in silico algorithms, and/or has population frequency not consistent with disease.

Breakthrough Genomics
Classification: Benign. Review status: criteria provided, single submitter. Criteria: ACMG Guidelines, 2015. Collection method: not provided. Allele origin: germline. Inheritance: Autosomal recessive inheritance. Affected: yes.

NM_133259.4(LRPPRC):c.1921-54A>T

Gene: LRPPRC (leucine rich pentatricopeptide repeat containing; minus strand). Cytogenetic location: 2p21.
Variant type: single nucleotide variant.
Coding change: c.1921-54A>T on transcript NM_133259.4 (MANE Select); 54 bases into the intron before coding-DNA position 1921, A replaced by T.
Molecular consequence: intron variant.
Genome position (GRCh38, 1-based): chr2:43,947,829, T>A on the plus strand (A>T on the coding strand, the complement: LRPPRC is on the minus strand). VCF-style: chr2-43947829-T-A. GRCh37 (hg19) VCF-style: chr2-44174968-T-A.
Identifiers: ClinVar variation 671699 (VCV000671699.5), dbSNP rs35768060, ClinGen allele CA46462261.